The following is an entry in ClinVar:

ClinVar aggregate classification (germline): Uncertain significance (1 of 4 stars; one submission).

Submission:

Labcorp Genetics (formerly Invitae), Labcorp
Classification: Uncertain significance. Last evaluated: 2025-03-14. Review status: criteria provided, single submitter. Criteria: Invitae Variant Classification Sherloc (09022015). Collection method: clinical testing. Allele origin: germline.
Comment: This variant, c.814_816del, results in the deletion of 1 amino acid(s) of the IMPG2 protein (p.Glu272del), but otherwise preserves the integrity of the reading frame. This variant is present in population databases (rs777176327, gnomAD 0.01%). This variant has not been reported in the literature in individuals affected with IMPG2-related conditions. Experimental studies and prediction algorithms are not available or were not evaluated, and the functional significance of this variant is currently unknown. In summary, the available evidence is currently insufficient to determine the role of this variant in disease. Therefore, it has been classified as a Variant of Uncertain Significance.

NM_016247.4(IMPG2):c.808GAA[2] (p.Glu272del)

Gene: IMPG2 (interphotoreceptor matrix proteoglycan 2; minus strand). Cytogenetic location: 3q12.3.
Variant type: Microsatellite.
Coding change: c.808GAA[2] on transcript NM_016247.4 (MANE Select); two copies in a row of the 3-base unit GAA starting at c.808; the reference has three copies in a row; one copy, 3 bases deleted.
Protein change: p.Glu272del; deletes glutamic acid 272.
Genome position (GRCh38, 1-based): chr3:101,273,593-101,273,595, TTC deleted on the plus strand (GAA on the coding strand, the reverse complement: IMPG2 is on the minus strand); deleting any 3 consecutive bases within chr3:101,273,593-101,273,601 gives the same sequence; the position shown is the placement nearest the transcript's 3' end. VCF-style (leftmost placement, unchanged base first): chr3-101273592-ATTC-A. GRCh37 (hg19) VCF-style: chr3-100992436-ATTC-A.
Other names: short protein forms E272del.
Identifiers: ClinVar variation 4764845 (VCV004764845.1).